The following is an entry in ClinVar:

ClinVar aggregate classification (germline): Likely benign. Review status: criteria provided, multiple submitters, no conflicts (2 of 4 stars). 3 submissions from 3 submitters: Likely benign (2). 1 of the submissions does not count toward it. Last evaluated 2025-05-04.

Conditions:
CASR-related disorder. Also called: CASR-related condition.
Nephrolithiasis/nephrocalcinosis. Identifiers: MedGen CN580796.
Familial hypocalciuric hypercalcemia (FHH). Also called: Familial benign hypercalcemia. Identifiers: Orphanet 405, MedGen C1809471, MONDO:0018458.
Autosomal dominant hypocalcemia 1 (HYPOC1). Also called: HYPOCALCEMIA, FAMILIAL. Identifiers: MedGen C3715128, MONDO:0011013, OMIM 601198.

Allele frequency attached by ClinVar (database versions not stated): gnomAD exomes 0.00002; ExAC 0.00001; gnomAD 0.00006; TOPMed 0.00008.
gnomAD v4.1: 17 of 1,614,022 alleles (0.0011%); highest among the groups gnomAD compares: African/African-American, 0.021%; no homozygotes.

Submissions (3):

Labcorp Genetics (formerly Invitae), Labcorp
Classification: Likely benign for Familial hypocalciuric hypercalcemia; Autosomal dominant hypocalcemia 1. Last evaluated: 2025-05-04. Review status: criteria provided, single submitter. Criteria: Invitae Variant Classification Sherloc (09022015). Collection method: clinical testing. Allele origin: germline.

Ambry Genetics
Classification: Likely benign for Nephrolithiasis/nephrocalcinosis. Last evaluated: 2022-06-15. Review status: criteria provided, single submitter. Criteria: Ambry Variant Classification Scheme 2023. Collection method: clinical testing. Allele origin: germline.

PreventionGenetics, part of Exact Sciences
Classification: Likely benign for CASR-related condition. Last evaluated: 2022-03-24. Review status: no assertion criteria provided. Collection method: clinical testing. Allele origin: germline. Not counted in ClinVar's aggregate classification.
Comment: This variant is classified as likely benign based on ACMG/AMP sequence variant interpretation guidelines (Richards et al. 2015 PMID: 25741868, with internal and published modifications).

NM_000388.4(CASR):c.1044C>A (p.Ala348=)

Gene: CASR (calcium sensing receptor; plus strand). Cytogenetic location: 3q21.1.
Variant type: single nucleotide variant.
Coding change: c.1044C>A on transcript NM_000388.4 (MANE Select); coding-DNA position 1044, C replaced by A.
Protein change: p.Ala348=; no amino-acid change (alanine 348 retained).
Molecular consequence: synonymous variant.
Genome position (GRCh38, 1-based): chr3:122,262,079, C>A. VCF-style: chr3-122262079-C-A. GRCh37 (hg19) VCF-style: chr3-121980926-C-A.
Other names: c.1044C>A (NM_001178065.1); c.1044C>A, p.Ala348= (NM_001178065.2).
Identifiers: ClinVar variation 703676 (VCV000703676.17), dbSNP rs753606065, ClinGen allele CA2569584.